The following is an entry in ClinVar:

NM_001080.3(ALDH5A1):c.896_897del (p.Ser299fs)

Gene: ALDH5A1 (aldehyde dehydrogenase 5 family member A1; plus strand). Cytogenetic location: 6p22.3.
Variant type: Microsatellite.
Coding change: c.896_897del on transcript NM_001080.3 (MANE Select); coding-DNA positions 896 to 897, 2 bases deleted (CT; older notation c.896_897delCT).
Protein change: p.Ser299fs; shifts the reading frame from serine 299.
Molecular consequence: frameshift variant.
Genome position (GRCh38, 1-based): chr6:24,520,426-24,520,427, CT deleted; deleting any 2 consecutive bases within chr6:24,520,424-24,520,427 gives the same sequence; the c. name uses the placement nearest the transcript's 3' end. VCF-style (leftmost placement, unchanged base first): chr6-24520423-ACT-A. GRCh37 (hg19) VCF-style: chr6-24520651-ACT-A.
Other names: c.752_753del, p.Ser251fs (NM_001368954.1); c.935_936del, p.Ser312fs (NM_170740.1); short protein forms S251fs, S299fs, S312fs.
Identifiers: ClinVar variation 1075603 (VCV001075603.8), dbSNP rs2127387279, ClinGen allele CA2580614845.

ClinVar aggregate classification (germline): Pathogenic/Likely pathogenic. Review status: criteria provided, multiple submitters, no conflicts (2 of 4 stars). 2 submissions from 2 submitters: Pathogenic (1); Likely pathogenic (1). Last evaluated 2024-05-05.

Conditions:
Succinate-semialdehyde dehydrogenase deficiency (SSADHD). Also called: SSADH DEFICIENCY; 4-HYDROXYBUTYRIC ACIDURIA; GABA METABOLIC DEFECT; Succinic Semialdehyde Dehydrogenase Deficiency. Identifiers: Orphanet 22, MedGen C0268631, MONDO:0010083, OMIM 271980.

Submissions (2):

GeneDx
Classification: Likely pathogenic. Last evaluated: 2024-05-05. Review status: criteria provided, single submitter. Criteria: GeneDx Variant Classification Process June 2021. Collection method: clinical testing. Allele origin: germline. Affected: yes.
Comment: Frameshift variant predicted to result in protein truncation or nonsense mediated decay in a gene for which loss of function is a known mechanism of disease; Not observed at significant frequency in large population cohorts (gnomAD); Has not been previously published as pathogenic or benign to our knowledge

Labcorp Genetics (formerly Invitae), Labcorp
Classification: Pathogenic for Succinate-semialdehyde dehydrogenase deficiency. Last evaluated: 2024-03-12. Review status: criteria provided, single submitter. Criteria: Invitae Variant Classification Sherloc (09022015). Collection method: clinical testing. Allele origin: germline.
Comment: This sequence change creates a premature translational stop signal (p.Ser299Cysfs*18) in the ALDH5A1 gene. It is expected to result in an absent or disrupted protein product. Loss-of-function variants in ALDH5A1 are known to be pathogenic (PMID: 14635103). This variant is not present in population databases (gnomAD no frequency). This variant has not been reported in the literature in individuals affected with ALDH5A1-related conditions. ClinVar contains an entry for this variant (Variation ID: 1075603). For these reasons, this variant has been classified as Pathogenic.

Literature cited by the submitters: PubMed 14635103 (cited by Labcorp Genetics (formerly Invitae), Labcorp).